The following is an entry in ClinVar:

ClinVar aggregate classification (germline): Uncertain significance. Review status: criteria provided, multiple submitters, no conflicts (2 of 4 stars). 2 submissions from 2 submitters: Uncertain significance (2). Last evaluated 2023-07-13.

Conditions:
Hereditary cancer-predisposing syndrome. Also called: Hereditary neoplastic syndrome; Tumor predisposition; Neoplastic Syndromes, Hereditary; Hereditary Cancer Syndrome. Identifiers: Orphanet 140162, MedGen C0027672, MeSH D009386, MONDO:0015356.
Microcephaly, normal intelligence and immunodeficiency (NBS). Also called: Nijmegen breakage syndrome; Microcephaly with normal intelligence immunodeficiency and lymphoreticular malignancies; Nonsyndromal microcephaly autosomal recessive with normal intelligence; Seemanova syndrome 2; IMMUNODEFICIENCY, MICROCEPHALY, AND CHROMOSOMAL INSTABILITY; SEEMANOVA SYNDROME II. Identifiers: Orphanet 647, MedGen C0398791, MONDO:0009623, OMIM 251260.

Allele frequency attached by ClinVar (database versions not stated): gnomAD exomes below 0.00001; ExAC 0.00001.
gnomAD v4.1: 1 of 1,613,962 alleles (0.000062%); highest among the groups gnomAD compares: South Asian, 0.0011%; no homozygotes.

Submissions (2):

Ambry Genetics
Classification: Uncertain significance for Hereditary cancer-predisposing syndrome. Last evaluated: 2023-07-13. Review status: criteria provided, single submitter. Criteria: Ambry Variant Classification Scheme 2023. Collection method: clinical testing. Allele origin: germline.
Comment: The p.S104T variant (also known as c.311G>C), located in coding exon 3 of the NBN gene, results from a G to C substitution at nucleotide position 311. The serine at codon 104 is replaced by threonine, an amino acid with similar properties. This amino acid position is conserved. In addition, the in silico prediction for this alteration is inconclusive. Since supporting evidence is limited at this time, the clinical significance of this alteration remains unclear.

Labcorp Genetics (formerly Invitae), Labcorp
Classification: Uncertain significance for Microcephaly, normal intelligence and immunodeficiency. Last evaluated: 2022-10-17. Review status: criteria provided, single submitter. Criteria: Invitae Variant Classification Sherloc (09022015). Collection method: clinical testing. Allele origin: germline.
Comment: In summary, the available evidence is currently insufficient to determine the role of this variant in disease. Therefore, it has been classified as a Variant of Uncertain Significance. Algorithms developed to predict the effect of missense changes on protein structure and function are either unavailable or do not agree on the potential impact of this missense change (SIFT: "Deleterious"; PolyPhen-2: "Probably Damaging"; Align-GVGD: "Class C0"). ClinVar contains an entry for this variant (Variation ID: 1472657). This variant has not been reported in the literature in individuals affected with NBN-related conditions. This variant is present in population databases (rs778943002, gnomAD 0.003%). This sequence change replaces serine, which is neutral and polar, with threonine, which is neutral and polar, at codon 104 of the NBN protein (p.Ser104Thr).

NM_002485.5(NBN):c.311G>C (p.Ser104Thr)

Gene: NBN (nibrin; minus strand). Cytogenetic location: 8q21.3.
Variant type: single nucleotide variant.
Coding change: c.311G>C on transcript NM_002485.5 (MANE Select); coding-DNA position 311, G replaced by C.
Protein change: p.Ser104Thr; replaces serine 104 with threonine.
Molecular consequence: missense variant.
Genome position (GRCh38, 1-based): chr8:89,981,384, C>G on the plus strand (G>C on the coding strand, the complement: NBN is on the minus strand). VCF-style: chr8-89981384-C-G. GRCh37 (hg19) VCF-style: chr8-90993612-C-G.
Other names: c.311G>C (NM_002485.4); c.65G>C, p.Ser22Thr (NM_001024688.3); short protein forms S22T, S104T.
Identifiers: ClinVar variation 1472657 (VCV001472657.8), dbSNP rs778943002, ClinGen allele CA4803013.